The following is an entry in ClinVar:

NM_001271938.2(MEGF8):c.2644G>A (p.Gly882Arg)

Gene: MEGF8 (multiple EGF like domains 8; plus strand). Cytogenetic location: 19q13.2.
Variant type: single nucleotide variant.
Coding change: c.2644G>A on transcript NM_001271938.2 (MANE Select); coding-DNA position 2644, G replaced by A.
Protein change: p.Gly882Arg; replaces glycine 882 with arginine.
Molecular consequence: missense variant.
Genome position (GRCh38, 1-based): chr19:42,350,292, G>A. VCF-style: chr19-42350292-G-A. GRCh37 (hg19) VCF-style: chr19-42854444-G-A.
Other names: c.2443G>A (NM_001410.2); c.2443G>A, p.Gly815Arg (NM_001410.3); short protein forms G882R, G815R.
Identifiers: ClinVar variation 1465850 (VCV001465850.33), dbSNP rs147068787, ClinGen allele CA9474769.

ClinVar aggregate classification (germline): Conflicting classifications of pathogenicity. Review status: criteria provided, conflicting classifications (1 of 4 stars). 3 submissions from 3 submitters: Uncertain significance (2); Likely benign (1). Last evaluated 2024-12-14.

Conditions:
Inborn genetic diseases. Identifiers: MedGen C0950123, MeSH D030342.
MEGF8-related Carpenter syndrome. Also called: Carpenter syndrome 2. Identifiers: Orphanet 65759, MedGen C3554247, MONDO:0013998, OMIM 614976.

Allele frequency attached by ClinVar (database versions not stated): TOPMed 0.00006; ExAC 0.00009; gnomAD 0.00009; gnomAD exomes 0.00009; ESP Exome Variant Server 0.00023.
gnomAD v4.1: 149 of 1,609,474 alleles (0.0093%); highest among the groups gnomAD compares: Middle Eastern, 0.016%; no homozygotes.

Submissions (3):

Labcorp Genetics (formerly Invitae), Labcorp
Classification: Uncertain significance for MEGF8-related Carpenter syndrome. Last evaluated: 2024-12-14. Review status: criteria provided, single submitter. Criteria: Invitae Variant Classification Sherloc (09022015). Collection method: clinical testing. Allele origin: germline.
Comment: This sequence change replaces glycine, which is neutral and non-polar, with arginine, which is basic and polar, at codon 815 of the MEGF8 protein (p.Gly815Arg). This variant is present in population databases (rs147068787, gnomAD 0.02%). This variant has not been reported in the literature in individuals affected with MEGF8-related conditions. ClinVar contains an entry for this variant (Variation ID: 1465850). An algorithm developed to predict the effect of missense changes on protein structure and function outputs the following: PolyPhen-2: "Benign". The arginine amino acid residue is found in multiple mammalian species, which suggests that this missense change does not adversely affect protein function. In summary, the available evidence is currently insufficient to determine the role of this variant in disease. Therefore, it has been classified as a Variant of Uncertain Significance.

Ambry Genetics
Classification: Uncertain significance for Inborn genetic diseases. Last evaluated: 2023-08-21. Review status: criteria provided, single submitter. Criteria: Ambry Variant Classification Scheme 2023. Collection method: clinical testing. Allele origin: germline.

CeGaT Center for Human Genetics Tuebingen
Classification: Likely benign. Last evaluated: 2023-05-01. Review status: criteria provided, single submitter. Criteria: CeGaT Center For Human Genetics Tuebingen Variant Classification Criteria Version 2. Collection method: clinical testing. Allele origin: germline. Affected: yes. Observed: 1 variant allele.
Comment: MEGF8: BP4